The following is an entry in ClinVar:

NM_205767.3(MICOS13):c.309C>A (p.Arg103=)

Gene: MICOS13 (mitochondrial contact site and cristae organizing system subunit 13; minus strand). Cytogenetic location: 19p13.3.
Variant type: single nucleotide variant.
Coding change: c.309C>A on transcript NM_205767.3 (MANE Select); coding-DNA position 309, C replaced by A.
Protein change: p.Arg103=; no amino-acid change (arginine 103 retained).
Molecular consequence: synonymous variant.
Genome position (GRCh38, 1-based): chr19:5,678,599, G>T on the plus strand (C>A on the coding strand, the complement: MICOS13 is on the minus strand). VCF-style: chr19-5678599-G-T. GRCh37 (hg19) VCF-style: chr19-5678610-G-T.
Other names: c.375C>A, p.Arg125= (NM_001308240.2, NM_001365761.2).
Identifiers: ClinVar variation 5039499 (VCV005039499.1).

ClinVar aggregate classification (germline): Likely benign (1 of 4 stars; one submission).

gnomAD v4.1: 8 of 1,548,302 alleles (0.00052%); highest among the groups gnomAD compares: African/African-American, 0.0055%; no homozygotes.

Submission:

CeGaT Center for Human Genetics Tuebingen
Classification: Likely benign. Last evaluated: 2026-07-01. Review status: criteria provided, single submitter. Criteria: CeGaT Center For Human Genetics Tuebingen Variant Classification Criteria Version 2. Collection method: clinical testing. Allele origin: germline. Affected: yes. Observed: 1 variant allele.
Comment: MICOS13: BP4, BP7